The following is an entry in ClinVar:

ClinVar aggregate classification (germline): Conflicting classifications of pathogenicity. Review status: criteria provided, conflicting classifications (1 of 4 stars). 8 submissions from 8 submitters: Uncertain significance (2); Benign (1); Likely benign (4). 1 of the submissions does not count toward it. Last evaluated 2026-01-06.

Conditions:
FBN2-related disorder. Also called: FBN2-related condition.
Ehlers-Danlos syndrome (EDS). Identifiers: Orphanet 98249, MedGen C0013720, MONDO:0020066.
Familial thoracic aortic aneurysm and aortic dissection (TAAD). Also called: Thoracic aortic aneurysms and dissections. Identifiers: Orphanet 91387, MedGen C4707243, MONDO:0019625.
Congenital contractural arachnodactyly (CCA). Also called: Beals-Hecht syndrome; BEALS SYNDROME; Arthrogryposis, distal, type 9. Identifiers: Orphanet 115, MedGen C0220668, MONDO:0007363, OMIM 121050.

Allele frequency attached by ClinVar (database versions not stated): gnomAD exomes 0.00011 and 0.00025; gnomAD 0.00013; ESP Exome Variant Server 0.00016; TOPMed 0.00017; ExAC 0.00028.
gnomAD v4.1: 195 of 1,583,024 alleles (0.012%); highest among the groups gnomAD compares: Admixed American, 0.0018%; no homozygotes.

Submissions (8):

Labcorp Genetics (formerly Invitae), Labcorp
Classification: Benign for Congenital contractural arachnodactyly. Last evaluated: 2026-01-06. Review status: criteria provided, single submitter. Criteria: Invitae Variant Classification Sherloc (09022015). Collection method: clinical testing. Allele origin: germline.

Women's Health and Genetics/Laboratory Corporation of America, LabCorp
Classification: Uncertain significance. Last evaluated: 2025-04-29. Review status: criteria provided, single submitter. Criteria: LabCorp Variant Classification Summary - May 2015. Collection method: clinical testing. Allele origin: germline.

Genome Diagnostics Laboratory, The Hospital for Sick Children
Classification: Likely benign for Ehlers-Danlos syndrome. Last evaluated: 2022-05-16. Review status: criteria provided, single submitter. Criteria: ACMG Guidelines, 2015. Collection method: clinical testing. Allele origin: germline.

GeneDx
Classification: Likely benign. Last evaluated: 2020-11-12. Review status: criteria provided, single submitter. Criteria: GeneDx Variant Classification Process June 2021. Collection method: clinical testing. Allele origin: germline. Affected: yes.

Ambry Genetics
Classification: Likely benign for Familial thoracic aortic aneurysm and aortic dissection. Last evaluated: 2019-05-03. Review status: criteria provided, single submitter. Criteria: Ambry Variant Classification Scheme 2023. Collection method: clinical testing. Allele origin: germline.

Illumina Laboratory Services, Illumina
Classification: Likely benign for Congenital contractural arachnodactyly. Last evaluated: 2018-01-13. Review status: criteria provided, single submitter. Criteria: ICSL Variant Classification Criteria 13 December 2019. Collection method: clinical testing. Allele origin: germline.
Comment: This variant was observed in the ICSL laboratory as part of a predisposition screen in an ostensibly healthy population. It had not been previously curated by ICSL or reported in the Human Gene Mutation Database (HGMD: prior to June 1st, 2018), and was therefore a candidate for classification through an automated scoring system. Utilizing variant allele frequency, disease prevalence and penetrance estimates, and inheritance mode, an automated score was calculated to assess if this variant is too frequent to cause the disease. Based on the score and internal cut-off values, a variant classified as likely benign is not then subjected to further curation. The score for this variant resulted in a classification of likely benign for this disease.

Eurofins Ntd Llc (ga)
Classification: Uncertain significance. Last evaluated: 2016-12-09. Review status: criteria provided, single submitter. Criteria: EGL Classification Definitions 2015. Collection method: clinical testing. Allele origin: germline. Observed: 1 variant allele, 1 heterozygote.

PreventionGenetics, part of Exact Sciences
Classification: Benign for FBN2-related condition. Last evaluated: 2019-11-16. Review status: no assertion criteria provided. Collection method: clinical testing. Allele origin: germline. Not counted in ClinVar's aggregate classification.
Comment: This variant is classified as benign based on ACMG/AMP sequence variant interpretation guidelines (Richards et al. 2015 PMID: 25741868, with internal and published modifications).

NM_001999.4(FBN2):c.76A>G (p.Thr26Ala)

Gene: FBN2 (fibrillin 2; minus strand). Cytogenetic location: 5q23.3.
Variant type: single nucleotide variant.
Coding change: c.76A>G on transcript NM_001999.4 (MANE Select); coding-DNA position 76, A replaced by G.
Protein change: p.Thr26Ala; replaces threonine 26 with alanine.
Molecular consequence: missense variant.
Genome position (GRCh38, 1-based): chr5:128,537,528, T>C on the plus strand (A>G on the coding strand, the complement: FBN2 is on the minus strand). VCF-style: chr5-128537528-T-C. GRCh37 (hg19) VCF-style: chr5-127873221-T-C.
Other names: short protein forms T26A.
Identifiers: ClinVar variation 213260 (VCV000213260.33), dbSNP rs374922166, ClinGen allele CA322091.
Genomic context (GRCh38, chr5:128,537,528, plus strand): 5'-GTTGCGGCGGCGGCTGGGGCCGGGGCGGCTTGGGCGGAGGAGGCTGAGGCTGGCCGGCCG[T>C]GCCCTGCGCCCAGAGCACCACACAGCCCAGCCACAGGAAGTAGAGCTGGAGACACAGCCT-3'
Protein context (NP_001990.2, residues 16-36): LGCVVLWAQG[Thr26Ala]AGQPQPPPPK